The following is an entry in ClinVar:

ClinVar aggregate classification (germline): Uncertain significance. Review status: criteria provided, multiple submitters, no conflicts (2 of 4 stars). 2 submissions from 2 submitters: Uncertain significance (2). Last evaluated 2024-12-18.

Conditions:
Hereditary cancer-predisposing syndrome. Also called: Tumor predisposition; Neoplastic Syndromes, Hereditary; Hereditary neoplastic syndrome; Hereditary Cancer Syndrome. Identifiers: Orphanet 140162, MedGen C0027672, MeSH D009386, MONDO:0015356.
Hereditary nonpolyposis colorectal neoplasms. Identifiers: MedGen C0009405, MeSH D003123.

Allele frequency attached by ClinVar (database versions not stated): gnomAD exomes below 0.00001.

Submissions (2):

Ambry Genetics
Classification: Uncertain significance for Hereditary cancer-predisposing syndrome. Last evaluated: 2024-12-18. Review status: criteria provided, single submitter. Criteria: Ambry Variant Classification Scheme 2023. Collection method: clinical testing. Allele origin: germline.
Comment: The p.L420V variant (also known as c.1258C>G), located in coding exon 11 of the PMS2 gene, results from a C to G substitution at nucleotide position 1258. The leucine at codon 420 is replaced by valine, an amino acid with highly similar properties. This amino acid position is highly conserved in available vertebrate species. In addition, this alteration is predicted to be tolerated by in silico analysis. Based on the available evidence, the clinical significance of this variant remains unclear.

Labcorp Genetics (formerly Invitae), Labcorp
Classification: Uncertain significance for Hereditary nonpolyposis colorectal neoplasms. Last evaluated: 2022-09-23. Review status: criteria provided, single submitter. Criteria: Invitae Variant Classification Sherloc (09022015). Collection method: clinical testing. Allele origin: germline.
Comment: In summary, the available evidence is currently insufficient to determine the role of this variant in disease. Therefore, it has been classified as a Variant of Uncertain Significance. Advanced modeling of protein sequence and biophysical properties (such as structural, functional, and spatial information, amino acid conservation, physicochemical variation, residue mobility, and thermodynamic stability) performed at Invitae indicates that this missense variant is expected to disrupt PMS2 protein function. ClinVar contains an entry for this variant (Variation ID: 1019367). This variant has not been reported in the literature in individuals affected with PMS2-related conditions. This variant is not present in population databases (gnomAD no frequency). This sequence change replaces leucine, which is neutral and non-polar, with valine, which is neutral and non-polar, at codon 420 of the PMS2 protein (p.Leu420Val).

NM_000535.7(PMS2):c.1258C>G (p.Leu420Val)

Gene: PMS2 (PMS1 homolog 2, mismatch repair system component; minus strand). Cytogenetic location: 7p22.1.
Variant type: single nucleotide variant.
Coding change: c.1258C>G on transcript NM_000535.7 (MANE Select); coding-DNA position 1258, C replaced by G.
Protein change: p.Leu420Val; replaces leucine 420 with valine.
Molecular consequence: missense variant. On other transcripts: non-coding transcript variant (1).
Genome position (GRCh38, 1-based): chr7:5,987,507, G>C on the plus strand (C>G on the coding strand, the complement: PMS2 is on the minus strand). VCF-style: chr7-5987507-G-C. GRCh37 (hg19) VCF-style: chr7-6027138-G-C.
Other names: c.853C>G, p.Leu285Val (NM_001322003.2, NM_001322004.2, NM_001322005.2 and 1 more transcripts); c.1102C>G, p.Leu368Val (NM_001322006.2); c.940C>G, p.Leu314Val (NM_001322007.2, NM_001322008.2); c.697C>G, p.Leu233Val (NM_001322010.2); c.325C>G, p.Leu109Val (NM_001322011.2, NM_001322012.2); c.685C>G, p.Leu229Val (NM_001322013.2); c.1258C>G, p.Leu420Val (NM_001322014.2); c.949C>G, p.Leu317Val (NM_001322015.2); short protein forms L109V, L229V, L233V, L285V, L314V, L317V, L368V, L420V.
Identifiers: ClinVar variation 1019367 (VCV001019367.13), dbSNP rs1783155735, ClinGen allele CA366742463.